The following is an entry in ClinVar:

ClinVar aggregate classification (germline): Uncertain significance. Review status: criteria provided, multiple submitters, no conflicts (2 of 4 stars). 2 submissions from 2 submitters: Uncertain significance (2). Last evaluated 2025-07-07.

Conditions:
Long QT syndrome (LQTS). Identifiers: MedGen C0023976, MeSH D008133, MONDO:0002442. Disease mechanism: loss of function. Inheritance: Various modes of inheritance.
Cardiovascular phenotype. Identifiers: MedGen CN230736.

Allele frequency attached by ClinVar (database versions not stated): ExAC 0.00001; gnomAD 0.00001; gnomAD exomes 0.00001; TOPMed 0.00001; 1000 Genomes Project 30x 0.00016; 1000 Genomes Project 0.00020.
gnomAD v4.1: 11 of 1,614,216 alleles (0.00068%); highest among the groups gnomAD compares: East Asian, 0.0022%; no homozygotes.

Submissions (2):

Ambry Genetics
Classification: Uncertain significance for Cardiovascular phenotype. Last evaluated: 2025-07-07. Review status: criteria provided, single submitter. Criteria: Ambry Variant Classification Scheme 2023. Collection method: clinical testing. Allele origin: germline.
Comment: The p.T1002M variant (also known as c.3005C>T), located in coding exon 27 of the ANK2 gene, results from a C to T substitution at nucleotide position 3005. The threonine at codon 1002 is replaced by methionine, an amino acid with similar properties. This amino acid position is highly conserved in available vertebrate species. In addition, the in silico prediction for this alteration is inconclusive. Based on the available evidence, the clinical significance of this variant remains unclear.

Labcorp Genetics (formerly Invitae), Labcorp
Classification: Uncertain significance for Long QT syndrome. Last evaluated: 2023-10-30. Review status: criteria provided, single submitter. Criteria: Invitae Variant Classification Sherloc (09022015). Collection method: clinical testing. Allele origin: germline.
Comment: This sequence change replaces threonine, which is neutral and polar, with methionine, which is neutral and non-polar, at codon 1002 of the ANK2 protein (p.Thr1002Met). This variant is present in population databases (rs575960435, gnomAD 0.002%). This variant has not been reported in the literature in individuals affected with ANK2-related conditions. Advanced modeling of protein sequence and biophysical properties (such as structural, functional, and spatial information, amino acid conservation, physicochemical variation, residue mobility, and thermodynamic stability) performed at Invitae indicates that this missense variant is not expected to disrupt ANK2 protein function with a negative predictive value of 80%. In summary, the available evidence is currently insufficient to determine the role of this variant in disease. Therefore, it has been classified as a Variant of Uncertain Significance.

NM_001148.6(ANK2):c.3005C>T (p.Thr1002Met)

Gene: ANK2 (ankyrin 2; plus strand). Cytogenetic location: 4q26.
Variant type: single nucleotide variant.
Coding change: c.3005C>T on transcript NM_001148.6 (MANE Select); coding-DNA position 3005, C replaced by T.
Protein change: p.Thr1002Met; replaces threonine 1002 with methionine.
Molecular consequence: missense variant.
Genome position (GRCh38, 1-based): chr4:113,330,350, C>T. VCF-style: chr4-113330350-C-T. GRCh37 (hg19) VCF-style: chr4-114251506-C-T.
Other names: c.3017C>T, p.Thr1006Met (NM_001354225.2); c.3005C>T, p.Thr1002Met (NM_001354228.2, NM_001354258.2, NM_020977.5); c.3083C>T, p.Thr1028Met (NM_001354230.2, NM_001354237.2); c.3047C>T, p.Thr1016Met (NM_001354231.2, NM_001354242.2); c.3041C>T, p.Thr1014Met (NM_001354232.2); c.3002C>T, p.Thr1001Met (NM_001354235.2, NM_001354236.2, NM_001354265.2 and 1 more transcripts); c.2975C>T, p.Thr992Met (NM_001354252.2, NM_001354272.2, NM_001354239.2); c.2879C>T, p.Thr960Met (NM_001354253.2, NM_001354270.2); and 23 more; short protein forms T1001M, T1002M, T1006M, T1014M, T1041M, T1049M, T935M, T990M.
Identifiers: ClinVar variation 3018145 (VCV003018145.4), dbSNP rs575960435, ClinGen allele CA3050755.